The following is an entry in ClinVar:

ClinVar aggregate classification (germline): Uncertain significance (1 of 4 stars; one submission).

Allele frequency attached by ClinVar (database versions not stated): gnomAD exomes below 0.00001.
gnomAD v4.1: 1 of 1,614,052 alleles (0.000062%); highest among the groups gnomAD compares: Non-Finnish European, 0.000085%; no homozygotes.

Submission:

Labcorp Genetics (formerly Invitae), Labcorp
Classification: Uncertain significance. Last evaluated: 2022-01-15. Review status: criteria provided, single submitter. Criteria: Invitae Variant Classification Sherloc (09022015). Collection method: clinical testing. Allele origin: germline.
Comment: This variant has not been reported in the literature in individuals affected with GRIN2D-related conditions. In summary, the available evidence is currently insufficient to determine the role of this variant in disease. Therefore, it has been classified as a Variant of Uncertain Significance. Algorithms developed to predict the effect of missense changes on protein structure and function are either unavailable or do not agree on the potential impact of this missense change (SIFT: "Deleterious"; PolyPhen-2: "Benign"; Align-GVGD: "Class C65"). This variant is not present in population databases (gnomAD no frequency). This sequence change replaces glycine, which is neutral and non-polar, with aspartic acid, which is acidic and polar, at codon 500 of the GRIN2D protein (p.Gly500Asp).

NM_000836.4(GRIN2D):c.1499G>A (p.Gly500Asp)

Gene: GRIN2D (glutamate ionotropic receptor NMDA type subunit 2D; plus strand). Cytogenetic location: 19q13.33.
Variant type: single nucleotide variant.
Coding change: c.1499G>A on transcript NM_000836.4 (MANE Select); coding-DNA position 1499, G replaced by A.
Protein change: p.Gly500Asp; replaces glycine 500 with aspartic acid.
Molecular consequence: missense variant.
Genome position (GRCh38, 1-based): chr19:48,414,950, G>A. VCF-style: chr19-48414950-G-A. GRCh37 (hg19) VCF-style: chr19-48918207-G-A.
Other names: short protein forms G500D.
Identifiers: ClinVar variation 2083199 (VCV002083199.4), dbSNP rs2513671816, ClinGen allele CA406695731.